The following is an entry in ClinVar:

ClinVar aggregate classification (germline): Benign/Likely benign. Review status: criteria provided, multiple submitters, no conflicts (2 of 4 stars). 3 submissions from 3 submitters: Benign (1); Likely benign (1). 1 of the submissions does not count toward it. Last evaluated 2026-01-28.

Conditions:
MCPH1-related disorder. Also called: MCPH1-related condition.

Allele frequency attached by ClinVar (database versions not stated): ESP Exome Variant Server 0.00078; 1000 Genomes Project 30x 0.00125; TOPMed 0.00135; 1000 Genomes Project 0.00140; gnomAD 0.00146.
gnomAD v4.1: 428 of 1,614,096 alleles (0.027%); highest among the groups gnomAD compares: African/African-American, 0.52%; no homozygotes.

Submissions (3):

Labcorp Genetics (formerly Invitae), Labcorp
Classification: Benign. Last evaluated: 2026-01-28. Review status: criteria provided, single submitter. Criteria: Invitae Variant Classification Sherloc (09022015). Collection method: clinical testing. Allele origin: germline.

Eurofins Ntd Llc (ga)
Classification: Likely benign. Last evaluated: 2018-06-29. Review status: criteria provided, single submitter. Criteria: EGL ClinVar v180209 classification definitions. Collection method: clinical testing. Allele origin: germline. Observed: 1 variant allele, 1 heterozygote.

PreventionGenetics, part of Exact Sciences
Classification: Likely benign for MCPH1-related condition. Last evaluated: 2024-09-14. Review status: no assertion criteria provided. Collection method: clinical testing. Allele origin: germline. Not counted in ClinVar's aggregate classification.
Comment: This variant is classified as likely benign based on ACMG/AMP sequence variant interpretation guidelines (Richards et al. 2015 PMID: 25741868, with internal and published modifications).

NM_024596.5(MCPH1):c.2250G>T (p.Pro750=)

Genes: MCPH1 (microcephalin 1; plus strand), MCPH1-AS1 (MCPH1 antisense RNA 1; minus strand). Cytogenetic location: 8p23.1.
Variant type: single nucleotide variant.
Coding change: c.2250G>T on transcript NM_024596.5 (MANE Select); coding-DNA position 2250, G replaced by T.
Protein change: p.Pro750=; no amino-acid change (proline 750 retained).
Molecular consequence: synonymous variant. On other transcripts: non-coding transcript variant (1).
Genome position (GRCh38, 1-based): chr8:6,621,489, G>T. VCF-style: chr8-6621489-G-T. GRCh37 (hg19) VCF-style: chr8-6479010-G-T.
Other names: c.2250G>T (NM_001322042.1); c.2250G>T, p.Pro750= (NM_001322042.2, NM_001363979.1); c.1971G>T, p.Pro657= (NM_001363980.2).
Identifiers: ClinVar variation 597712 (VCV000597712.15), dbSNP rs370202384, ClinGen allele CA4611475.